The following is an entry in ClinVar:

NM_002161.6(IARS1):c.2229+1G>A

Gene: IARS1 (isoleucyl-tRNA synthetase 1; minus strand). Cytogenetic location: 9q22.31.
Variant type: single nucleotide variant.
Coding change: c.2229+1G>A on transcript NM_002161.6 (MANE Select); the canonical splice donor site of the intron after coding-DNA position 2229, G replaced by A.
Molecular consequence: splice donor variant. On other transcripts: intron variant (1).
Genome position (GRCh38, 1-based): chr9:92,253,361, C>T on the plus strand (G>A on the coding strand, the complement: IARS1 is on the minus strand). VCF-style: chr9-92253361-C-T. GRCh37 (hg19) VCF-style: chr9-95015643-C-T.
Other names: c.2229+1G>A (NM_001378573.1, NM_001378584.1, NM_001374299.1 and 12 more transcripts); c.2106+1G>A (NM_001378583.1); c.2145+1G>A (NM_001374301.1); c.2134-1476G>A (NM_001378582.1); c.2250+1G>A (NM_001378571.1); c.2292+1G>A (NM_001378569.1).
Identifiers: ClinVar variation 2628694 (VCV002628694.1), dbSNP rs1830279061, ClinGen allele CA373815395.
Genomic context (GRCh38, chr9:92,253,361, plus strand): 5'-ATTTCTTCTACTTTCAAACTTCATACACTTTTTGCTTTTCCCAACAGCAGTCTGCACTTA[C>T]CTTTAATCTTCTGCGGTTCATTCTAACATACCAATTGGTCAGAATATCTACAAACTTGAC-3'

ClinVar aggregate classification (germline): Uncertain significance (1 of 4 stars; one submission).

Conditions:
IARS1-related disorder. Also called: IARS1-related condition.

Allele frequency attached by ClinVar (database versions not stated): TOPMed below 0.00001.

Submission:

PreventionGenetics, part of Exact Sciences
Classification: Uncertain significance for IARS1-related condition. Last evaluated: 2023-04-10. Review status: criteria provided, single submitter. Criteria: ACMG Guidelines, 2015. Collection method: clinical testing. Allele origin: germline.
Comment: The IARS1 c.2229+1G>A variant is predicted to disrupt the GT donor site and interfere with normal splicing. To our knowledge, this variant has not been reported in the literature or in a large population database, indicating this variant is rare. This variant could be pathogenic. At this time, the clinical significance of this variant is uncertain due to the absence of conclusive functional and genetic evidence.